The following is an entry in ClinVar:

ClinVar aggregate classification (germline): Likely benign. Review status: criteria provided, single submitter (1 of 4 stars). 2 submissions from 2 submitters: Likely benign (1). 1 of the submissions does not count toward it. Last evaluated 2025-09-01.

Conditions:
AEBP1-related disorder. Also called: AEBP1-related condition.

Allele frequency attached by ClinVar (database versions not stated): TOPMed 0.00002; gnomAD 0.00010; 1000 Genomes Project 30x 0.00016; 1000 Genomes Project 0.00020; gnomAD exomes 0.00022; ExAC 0.00040.

Submissions (2):

Labcorp Genetics (formerly Invitae), Labcorp
Classification: Likely benign. Last evaluated: 2025-09-01. Review status: criteria provided, single submitter. Criteria: Invitae Variant Classification Sherloc (09022015). Collection method: clinical testing. Allele origin: germline.

PreventionGenetics, part of Exact Sciences
Classification: Likely benign for AEBP1-related condition. Last evaluated: 2023-08-01. Review status: no assertion criteria provided. Collection method: clinical testing. Allele origin: germline. Not counted in ClinVar's aggregate classification.
Comment: This variant is classified as likely benign based on ACMG/AMP sequence variant interpretation guidelines (Richards et al. 2015 PMID: 25741868, with internal and published modifications).

NM_001129.5(AEBP1):c.3083G>A (p.Arg1028Gln)

Gene: AEBP1 (AE binding protein 1; plus strand). Cytogenetic location: 7p13.
Variant type: single nucleotide variant.
Coding change: c.3083G>A on transcript NM_001129.5 (MANE Select); coding-DNA position 3083, G replaced by A.
Protein change: p.Arg1028Gln; replaces arginine 1028 with glutamine.
Molecular consequence: missense variant.
Genome position (GRCh38, 1-based): chr7:44,113,867, G>A. VCF-style: chr7-44113867-G-A. GRCh37 (hg19) VCF-style: chr7-44153466-G-A.
Other names: c.3083G>A (NM_001129.4); short protein forms R1028Q.
Identifiers: ClinVar variation 2175060 (VCV002175060.6), dbSNP rs560842059, ClinGen allele CA4238400.